The following is an entry in ClinVar:

ClinVar aggregate classification (germline): Uncertain significance (1 of 4 stars; one submission).

Conditions:
DICER1-related tumor predisposition. Also called: DICER1 syndrome; DICER1-related pleuropulmonary blastoma cancer predisposition syndrome. Identifiers: Orphanet 284343, MedGen C3839822, MONDO:0100216.

Allele frequency attached by ClinVar (database versions not stated): gnomAD exomes below 0.00001.
gnomAD v4.1: 1 of 1,614,252 alleles (0.000062%); highest among the groups gnomAD compares: Non-Finnish European, 0.000085%; no homozygotes.

Submission:

Labcorp Genetics (formerly Invitae), Labcorp
Classification: Uncertain significance for DICER1-related tumor predisposition. Last evaluated: 2023-05-08. Review status: criteria provided, single submitter. Criteria: Invitae Variant Classification Sherloc (09022015). Collection method: clinical testing. Allele origin: germline.
Comment: In summary, the available evidence is currently insufficient to determine the role of this variant in disease. Therefore, it has been classified as a Variant of Uncertain Significance. An algorithm developed to predict the effect of missense changes on protein structure and function (PolyPhen-2) suggests that this variant is likely to be tolerated. ClinVar contains an entry for this variant (Variation ID: 1974432). This variant has not been reported in the literature in individuals affected with DICER1-related conditions. This variant is not present in population databases (gnomAD no frequency). This sequence change replaces arginine, which is basic and polar, with serine, which is neutral and polar, at codon 1647 of the DICER1 protein (p.Arg1647Ser).

NM_177438.3(DICER1):c.4941A>T (p.Arg1647Ser)

Gene: DICER1 (dicer 1, ribonuclease III; minus strand). Cytogenetic location: 14q32.13.
Variant type: single nucleotide variant.
Coding change: c.4941A>T on transcript NM_177438.3 (MANE Select); coding-DNA position 4941, A replaced by T.
Protein change: p.Arg1647Ser; replaces arginine 1647 with serine.
Molecular consequence: missense variant. On other transcripts: non-coding transcript variant (6).
Genome position (GRCh38, 1-based): chr14:95,095,979, T>A on the plus strand (A>T on the coding strand, the complement: DICER1 is on the minus strand). VCF-style: chr14-95095979-T-A. GRCh37 (hg19) VCF-style: chr14-95562316-T-A.
Other names: c.4941A>T, p.Arg1647Ser (NM_001195573.1, NM_001271282.3, NM_001291628.2 and 13 more transcripts); c.4659A>T, p.Arg1553Ser (NM_001395686.1); c.4536A>T, p.Arg1512Ser (NM_001395687.1, NM_001395688.1, NM_001395689.1 and 2 more transcripts); c.4374A>T, p.Arg1458Ser (NM_001395691.1); c.3258A>T, p.Arg1086Ser (NM_001395697.1); short protein forms R1647S, R1086S, R1512S, R1458S, R1553S.
Identifiers: ClinVar variation 1974432 (VCV001974432.5), dbSNP rs2139840099, ClinGen allele CA390866266.